The following is an entry in ClinVar:

NM_002471.4(MYH6):c.3860G>A (p.Gly1287Glu)

Gene: MYH6 (myosin heavy chain 6; minus strand). Cytogenetic location: 14q11.2.
Variant type: single nucleotide variant.
Coding change: c.3860G>A on transcript NM_002471.4 (MANE Select); coding-DNA position 3860, G replaced by A.
Protein change: p.Gly1287Glu; replaces glycine 1287 with glutamic acid.
Molecular consequence: missense variant.
Genome position (GRCh38, 1-based): chr14:23,389,511, C>T on the plus strand (G>A on the coding strand, the complement: MYH6 is on the minus strand). VCF-style: chr14-23389511-C-T. GRCh37 (hg19) VCF-style: chr14-23858720-C-T.
Other names: short protein forms G1287E.
Identifiers: ClinVar variation 973073 (VCV000973073.5), dbSNP rs780857713, ClinGen allele CA7115032.

ClinVar aggregate classification (germline): Uncertain significance. Review status: criteria provided, multiple submitters, no conflicts (2 of 4 stars). 3 submissions from 3 submitters: Uncertain significance (3). Last evaluated 2025-12-22.

Conditions:
Hypertrophic cardiomyopathy 14. Identifiers: MedGen C2750467, MONDO:0013197, OMIM 613251.
MYH6-related disorder. Also called: MYH6-Related Disorders; MYH6-related condition.

Allele frequency attached by ClinVar (database versions not stated): TOPMed below 0.00001; ExAC 0.00001; gnomAD 0.00001; gnomAD exomes 0.00001 and 0.00002.

Submissions (3):

Labcorp Genetics (formerly Invitae), Labcorp
Classification: Uncertain significance for Hypertrophic cardiomyopathy 14. Last evaluated: 2025-12-22. Review status: criteria provided, single submitter. Criteria: Invitae Variant Classification Sherloc (09022015). Collection method: clinical testing. Allele origin: germline.
Comment: This sequence change replaces glycine, which is neutral and non-polar, with glutamic acid, which is acidic and polar, at codon 1287 of the MYH6 protein (p.Gly1287Glu). This variant is present in population databases (rs780857713, gnomAD 0.007%). This variant has not been reported in the literature in individuals affected with MYH6-related conditions. ClinVar contains an entry for this variant (Variation ID: 973073). An algorithm developed to predict the effect of missense changes on protein structure and function (PolyPhen-2) suggests that this variant is likely to be disruptive. Algorithms developed to predict the effect of sequence changes on RNA splicing suggest that this variant may create or strengthen a splice site. In summary, the available evidence is currently insufficient to determine the role of this variant in disease. Therefore, it has been classified as a Variant of Uncertain Significance.

PreventionGenetics, part of Exact Sciences
Classification: Uncertain significance for MYH6-related condition. Last evaluated: 2025-03-08. Review status: criteria provided, single submitter. Criteria: ACMG Guidelines, 2015. Collection method: clinical testing. Allele origin: germline.
Comment: The MYH6 c.3860G>A variant is predicted to result in the amino acid substitution p.Gly1287Glu. To our knowledge, this variant has not been reported in the literature. This variant is reported in 0.0040% of alleles in individuals of African descent in gnomAD. At this time, the clinical significance of this variant is uncertain due to the absence of conclusive functional and genetic evidence.

Blueprint Genetics
Classification: Uncertain significance. Last evaluated: 2024-11-01. Review status: criteria provided, single submitter. Criteria: ACMG Guidelines, 2015. Collection method: clinical testing. Allele origin: germline.